The following is an entry in ClinVar:

NM_000390.4(CHM):c.1413+1G>T

Gene: CHM (CHM Rab escort protein; minus strand). Cytogenetic location: Xq21.2.
Variant type: single nucleotide variant.
Coding change: c.1413+1G>T on transcript NM_000390.4 (MANE Select); the canonical splice donor site of the intron after coding-DNA position 1413, G replaced by T.
Molecular consequence: splice donor variant.
Genome position (GRCh38, 1-based): chrX:85,900,645, C>A on the plus strand (G>T on the coding strand, the complement: CHM is on the minus strand). VCF-style: chrX-85900645-C-A. GRCh37 (hg19) VCF-style: chrX-85155650-C-A.
Other names: c.969+1G>T (NM_001362519.1, NM_001362517.1, NM_001320959.1 and 1 more transcripts).
Identifiers: ClinVar variation 813168 (VCV000813168.45), dbSNP rs1926202120, ClinGen allele CA413789191.

ClinVar aggregate classification (germline): Pathogenic. Review status: criteria provided, multiple submitters, no conflicts (2 of 4 stars). 3 submissions from 3 submitters: Pathogenic (3). Last evaluated 2022-09-10.

Conditions:
Choroideremia. Also called: Chorioretinal scalloped atrophy. Identifiers: Orphanet 180, MedGen C0008525, MONDO:0010557, OMIM 303100, HP:0001139.

Submissions (3):

Labcorp Genetics (formerly Invitae), Labcorp
Classification: Pathogenic. Last evaluated: 2022-09-10. Review status: criteria provided, single submitter. Criteria: Invitae Variant Classification Sherloc (09022015). Collection method: clinical testing. Allele origin: germline.
Comment: Algorithms developed to predict the effect of sequence changes on RNA splicing suggest that this variant may disrupt the consensus splice site. For these reasons, this variant has been classified as Pathogenic. ClinVar contains an entry for this variant (Variation ID: 813168). Disruption of this splice site has been observed in individual(s) with clinical features of choroideremia (PMID: 18766988). It has also been observed to segregate with disease in related individuals. This variant is not present in population databases (gnomAD no frequency). This sequence change affects a donor splice site in intron 11 of the CHM gene. It is expected to disrupt RNA splicing. Variants that disrupt the donor or acceptor splice site typically lead to a loss of protein function (PMID: 16199547), and loss-of-function variants in CHM are known to be pathogenic (PMID: 9067750, 23811034).

Molecular Genetics Laboratory, Institute for Ophthalmic Research
Classification: Pathogenic for Choroideremia. Last evaluated: 2020-01-09. Review status: criteria provided, single submitter. Criteria: ACMG Guidelines, 2015. Collection method: research. Allele origin: germline. Affected: yes.

CeGaT Center for Human Genetics Tuebingen
Classification: Pathogenic. Last evaluated: 2017-02-01. Review status: criteria provided, single submitter. Criteria: CeGaT Center For Human Genetics Tuebingen Variant Classification Criteria Version 2. Collection method: clinical testing. Allele origin: germline. Affected: yes. Observed: 1 variant allele.

Literature cited by the submitters: PubMed 18766988 (cited by Labcorp Genetics (formerly Invitae), Labcorp); PubMed 16199547 (cited by Labcorp Genetics (formerly Invitae), Labcorp); PubMed 9067750 (cited by Labcorp Genetics (formerly Invitae), Labcorp); PubMed 23811034 (cited by Labcorp Genetics (formerly Invitae), Labcorp).